The following is an entry in ClinVar:

ClinVar aggregate classification (germline): Pathogenic/Likely pathogenic. Review status: criteria provided, multiple submitters, no conflicts (2 of 4 stars). 2 submissions from 2 submitters: Pathogenic (1); Likely pathogenic (1). Last evaluated 2024-08-31.

Conditions:
Tyrosinase-positive oculocutaneous albinism (OCA2). Also called: Albinism, oculocutaneous, type II; ALBINISM II; Oculocutaneous albinism type 2. Identifiers: Orphanet 79432, MedGen C0268495, MONDO:0008746, OMIM 203200.
SKIN/HAIR/EYE PIGMENTATION 1, BLUE/NONBLUE EYES (SHEP1). Also called: SKIN/HAIR/EYE PIGMENTATION 1, BLOND/BROWN HAIR; SKIN/HAIR/EYE PIGMENTATION 1, BLUE/BROWN EYES; BROWN EYE COLOR 2; EYE COLOR 3; EYE COLOR, BLUE/NONBLUE; EYE COLOR, BROWN/BLUE. Identifiers: MedGen C1856895, OMIM 227220.

Submissions (2):

Myriad Genetics, Inc.
Classification: Pathogenic for Tyrosinase-positive oculocutaneous albinism. Last evaluated: 2024-08-31. Review status: criteria provided, single submitter. Criteria: Myriad Autosomal Dominant, Autosomal Recessive and X-Linked Classification Criteria (2023). Collection method: clinical testing. Allele origin: unknown.
Comment: NM_000275.2(OCA2):c.1675C>T(Q559*) is expected to be pathogenic in the context of oculocutaneous albinism, OCA2-related. This variant is predicted to lead to an abnormal or absent protein product due to the creation of a premature termination codon in OCA2, a gene where loss-of-function variants are known to be pathogenic. Please note: this variant was assessed in the context of healthy population screening.

Fulgent Genetics
Classification: Likely pathogenic for Tyrosinase-positive oculocutaneous albinism; SKIN/HAIR/EYE PIGMENTATION 1, BLUE/NONBLUE EYES. Last evaluated: 2024-05-07. Review status: criteria provided, single submitter. Criteria: ACMG Guidelines, 2015. Collection method: clinical testing. Allele origin: germline.

NM_000275.3(OCA2):c.1675C>T (p.Gln559Ter)

Gene: OCA2 (OCA2 melanosomal transmembrane protein; minus strand). Cytogenetic location: 15q13.1.
Variant type: single nucleotide variant.
Coding change: c.1675C>T on transcript NM_000275.3 (MANE Select); coding-DNA position 1675, C replaced by T.
Protein change: p.Gln559Ter; replaces glutamine 559 with a stop codon.
Molecular consequence: nonsense.
Genome position (GRCh38, 1-based): chr15:27,957,697, G>A on the plus strand (C>T on the coding strand, the complement: OCA2 is on the minus strand). VCF-style: chr15-27957697-G-A. GRCh37 (hg19) VCF-style: chr15-28202843-G-A.
Other names: c.1603C>T, p.Gln535Ter (NM_001300984.2); short protein forms Q535*, Q559*.
Identifiers: ClinVar variation 3576934 (VCV003576934.2).